The following is an entry in ClinVar:

ClinVar aggregate classification (germline): Pathogenic/Likely pathogenic. Review status: criteria provided, multiple submitters, no conflicts (2 of 4 stars). 10 submissions from 10 submitters: Pathogenic (8); Likely pathogenic (1). 1 of the submissions does not count toward it. Last evaluated 2026-01-09.

Conditions:
Distal renal tubular acidosis. Identifiers: Orphanet 18, MedGen C1704380, MONDO:0015827, HP:0008341.
ATP6V1B1-related disorder. Also called: ATP6V1B1-related condition.
Renal tubular acidosis with progressive nerve deafness. Also called: Distal Renal Tubular Acidosis with Progressive Sensorineural Deafness; RENAL TUBULAR ACIDOSIS, AUTOSOMAL RECESSIVE, WITH PROGRESSIVE NERVE DEAFNESS; RTA WITH PROGRESSIVE NERVE DEAFNESS; renal tubular acidosis, distal, 2, with progressive sensorineural hearing loss. Identifiers: MedGen C0403554, MONDO:0009968, OMIM 267300.

Allele frequency attached by ClinVar (database versions not stated): TOPMed 0.00002.
gnomAD v4.1: 25 of 1,613,306 alleles (0.0015%); highest among the groups gnomAD compares: Admixed American, 0.0033%; no homozygotes.

Submissions (10):

Labcorp Genetics (formerly Invitae), Labcorp
Classification: Pathogenic. Last evaluated: 2026-01-09. Review status: criteria provided, single submitter. Criteria: Invitae Variant Classification Sherloc (09022015). Collection method: clinical testing. Allele origin: germline.
Comment: This sequence change replaces proline, which is neutral and non-polar, with arginine, which is basic and polar, at codon 346 of the ATP6V1B1 protein (p.Pro346Arg). This variant is present in population databases (rs781838938, gnomAD 0.006%). This missense change has been observed in individuals with autosomal recessive renal tubular acidosis (PMID: 16611712, 22509993, 27247958, 28188436). ClinVar contains an entry for this variant (Variation ID: 280139). Invitae Evidence Modeling of protein sequence and biophysical properties (such as structural, functional, and spatial information, amino acid conservation, physicochemical variation, residue mobility, and thermodynamic stability) indicates that this missense variant is expected to disrupt ATP6V1B1 protein function with a positive predictive value of 95%. Experimental studies have shown that this missense change affects ATP6V1B1 function (PMID: 16769747, 18368028). For these reasons, this variant has been classified as Pathogenic.

Natera, Inc.
Classification: Pathogenic for Renal tubular acidosis with progressive nerve deafness. Last evaluated: 2025-09-29. Review status: criteria provided, single submitter. Criteria: Natera Variant Classification Schema (03/2026). Collection method: clinical testing. Allele origin: germline.
Comment: The c.1037C>G variant in ATP6V1B1 is a missense variant predicted to cause substitution of proline to arginine at amino acid 346. This variant is rare in the general population with a frequency below the threshold expected for the associated phenotype(s). This variant has been observed in one or more individuals affected with the associated recessive disease, as either homozygous or compound heterozygous with a second variant (PMID: 28233610). Computational prediction algorithms indicate this variant is likely to affect gene or protein function. Given the available evidence, this variant is classified as Pathogenic.

Rare Kidney Stone Consortium and the Mayo Clinic Hyperoxaluria Center, Mayo Clinic
Classification: Pathogenic for Renal tubular acidosis with progressive nerve deafness. Last evaluated: 2025-05-01. Review status: criteria provided, single submitter. Criteria: ACMG Guidelines, 2015. Collection method: research. Allele origin: germline. Affected: yes.
Comment: ACMG: PS1, PS3, PM2,PM3, PP4, PS4

homozygote

Genomic Medicine Center of Excellence, King Faisal Specialist Hospital and Research Centre
Classification: Pathogenic for Renal tubular acidosis with progressive nerve deafness. Last evaluated: 2024-03-17. Review status: criteria provided, single submitter. Criteria: ACMG Guidelines, 2015. Collection method: research. Allele origin: germline.

GeneDx
Classification: Pathogenic. Last evaluated: 2023-04-01. Review status: criteria provided, single submitter. Criteria: GeneDx Variant Classification Process June 2021. Collection method: clinical testing. Allele origin: germline. Affected: yes.
Comment: Published functional studies demonstrate a damaging effect; specifically, rat inner medullary collecting duct cells transfected with the P346R variant showed significantly reduced pHi recovery after an acute acid load compared to wild type, and functional analysis found that P346R is associated with non-measurable ATPase activity (Yang et al., 2006); Not observed at a significant frequency in large population cohorts (gnomAD); In silico analysis, which includes protein predictors and evolutionary conservation, supports a deleterious effect; This variant is associated with the following publications: (PMID: 9916796, 18368028, 25498251, 27247958, 34805638, 33226606, 25741868, 31959358, 31618753, 16611712, 28188436, 22509993, 16769747)

Revvity Omics, Revvity
Classification: Pathogenic for Renal tubular acidosis with progressive nerve deafness. Last evaluated: 2021-06-18. Review status: criteria provided, single submitter. Criteria: ACMG Guidelines, 2015. Collection method: clinical testing. Allele origin: germline.

Blueprint Genetics
Classification: Likely pathogenic for ATP6V1B1-related disorders. Last evaluated: 2020-12-23. Review status: criteria provided, single submitter. Criteria: ACMG Guidelines, 2015. Collection method: clinical testing. Allele origin: germline. Affected: yes. Observed: 2 variant alleles.

Fulgent Genetics
Classification: Pathogenic for Renal tubular acidosis with progressive nerve deafness. Last evaluated: 2018-10-31. Review status: criteria provided, single submitter. Criteria: ACMG Guidelines, 2015. Collection method: clinical testing. Allele origin: unknown.

Kariminejad - Najmabadi Pathology & Genetics Center
Classification: Pathogenic for Renal tubular acidosis with progressive nerve deafness. Review status: criteria provided, single submitter. Criteria: ACMG Guidelines, 2015. Collection method: clinical testing. Allele origin: germline. Affected: no.

Yale Center for Mendelian Genomics, Yale University
Classification: Pathogenic for Distal renal tubular acidosis. Last evaluated: 2019-10-22. Review status: no assertion criteria provided. Collection method: literature only. Allele origin: germline. Affected: yes. Observed: 1 homozygote. Study: Yale Center for Mendelian Genomics. Not counted in ClinVar's aggregate classification.

Literature cited by the submitters: PubMed 16611712 (cited by Labcorp Genetics (formerly Invitae), Labcorp); PubMed 22509993 (cited by Labcorp Genetics (formerly Invitae), Labcorp); PubMed 27247958 (cited by Labcorp Genetics (formerly Invitae), Labcorp); PubMed 28188436 (cited by Labcorp Genetics (formerly Invitae), Labcorp); PubMed 16769747 (cited by Labcorp Genetics (formerly Invitae), Labcorp and Rare Kidney Stone Consortium and the Mayo Clinic Hyperoxaluria Center, Mayo Clinic); PubMed 18368028 (cited by Labcorp Genetics (formerly Invitae), Labcorp and Rare Kidney Stone Consortium and the Mayo Clinic Hyperoxaluria Center, Mayo Clinic); PubMed 28233610 (cited by Natera, Inc.); PubMed 37121229 (cited by Rare Kidney Stone Consortium and the Mayo Clinic Hyperoxaluria Center, Mayo Clinic); PubMed 35325889 (cited by Rare Kidney Stone Consortium and the Mayo Clinic Hyperoxaluria Center, Mayo Clinic); PubMed 35990030 (cited by Rare Kidney Stone Consortium and the Mayo Clinic Hyperoxaluria Center, Mayo Clinic); PubMed 34805638 (cited by Rare Kidney Stone Consortium and the Mayo Clinic Hyperoxaluria Center, Mayo Clinic); PubMed 31618753 (cited by Rare Kidney Stone Consortium and the Mayo Clinic Hyperoxaluria Center, Mayo Clinic); PubMed 33226606 (cited by Rare Kidney Stone Consortium and the Mayo Clinic Hyperoxaluria Center, Mayo Clinic); PubMed 31959358 (cited by Rare Kidney Stone Consortium and the Mayo Clinic Hyperoxaluria Center, Mayo Clinic and Yale Center for Mendelian Genomics, Yale University); PubMed 9916796 (cited by Rare Kidney Stone Consortium and the Mayo Clinic Hyperoxaluria Center, Mayo Clinic).

NM_001692.4(ATP6V1B1):c.1037C>G (p.Pro346Arg)

Gene: ATP6V1B1 (ATPase H+ transporting V1 subunit B1; plus strand). Cytogenetic location: 2p13.3.
Variant type: single nucleotide variant.
Coding change: c.1037C>G on transcript NM_001692.4 (MANE Select); coding-DNA position 1037, C replaced by G.
Protein change: p.Pro346Arg; replaces proline 346 with arginine.
Molecular consequence: missense variant.
Genome position (GRCh38, 1-based): chr2:70,963,289, C>G. VCF-style: chr2-70963289-C-G. GRCh37 (hg19) VCF-style: chr2-71190419-C-G.
Other names: short protein forms P346R.
Identifiers: ClinVar variation 280139 (VCV000280139.26), dbSNP rs781838938, ClinGen allele CA1701229.
Genomic context (GRCh38, chr2:70,963,289, plus strand): 5'-CCACCATCTACGAGCGGGCGGGCCGCGTGGAGGGTCGGGGAGGATCCATCACACAGATCC[C>G]CATCCTCACCATGCCCAACGACGGTAGCCTCCTCACAGCCCACTACCCTCCAGAGCTCCC-3'
Protein context (NP_001683.2, residues 336-356): EGRGGSITQI[Pro346Arg]ILTMPNDDIT